The following is an entry in ClinVar:

ClinVar aggregate classification (germline): Likely benign. Review status: criteria provided, single submitter (1 of 4 stars). 2 submissions from 2 submitters: Likely benign (1). 1 of the submissions does not count toward it. Last evaluated 2025-04-09.

Conditions:
NRAP-related disorder. Also called: NRAP-related condition.

Allele frequency attached by ClinVar (database versions not stated): 1000 Genomes Project 30x 0.00203; 1000 Genomes Project 0.00220; ExAC 0.00331; TOPMed 0.00373; gnomAD 0.00397; ESP Exome Variant Server 0.00469; gnomAD exomes 0.00596.
gnomAD v4.1: 9,310 of 1,614,138 alleles (0.58%); highest among the groups gnomAD compares: Non-Finnish European, 0.7%; 36 homozygotes.

Submissions (2):

Molecular Diagnostic Laboratory for Inherited Cardiovascular Disease, Montreal Heart Institute
Classification: Likely benign. Last evaluated: 2025-04-09. Review status: criteria provided, single submitter. Criteria: ACMG Guidelines, 2015. Collection method: clinical testing. Allele origin: germline. Affected: no.
Comment: BS1, BP4

PreventionGenetics, part of Exact Sciences
Classification: Likely benign for NRAP-related condition. Last evaluated: 2019-06-03. Review status: no assertion criteria provided. Collection method: clinical testing. Allele origin: germline. Not counted in ClinVar's aggregate classification.
Comment: This variant is classified as likely benign based on ACMG/AMP sequence variant interpretation guidelines (Richards et al. 2015 PMID: 25741868, with internal and published modifications).

NM_198060.4(NRAP):c.5051T>A (p.Leu1684Gln)

Gene: NRAP (nebulin related anchoring protein; minus strand). Cytogenetic location: 10q25.3.
Variant type: single nucleotide variant.
Coding change: c.5051T>A on transcript NM_198060.4 (MANE Select); coding-DNA position 5051, T replaced by A.
Protein change: p.Leu1684Gln; replaces leucine 1684 with glutamine.
Molecular consequence: missense variant.
Genome position (GRCh38, 1-based): chr10:113,589,703, A>T on the plus strand (T>A on the coding strand, the complement: NRAP is on the minus strand). VCF-style: chr10-113589703-A-T. GRCh37 (hg19) VCF-style: chr10-115349462-A-T.
Other names: c.5051T>A, p.Leu1684Gln (NM_001261463.2); c.4943T>A, p.Leu1648Gln (NM_001322945.2); c.4946T>A, p.Leu1649Gln (NM_006175.5); c.5051T>A (NM_198060.3); short protein forms L1648Q, L1649Q, L1684Q.
Identifiers: ClinVar variation 3038468 (VCV003038468.3), dbSNP rs4918857, ClinGen allele CA5694200.